The following is an entry in ClinVar:

NM_001164508.2(NEB):c.7997del (p.Gly2666fs)

Gene: NEB (nebulin; minus strand). Cytogenetic location: 2q23.3.
Variant type: Deletion.
Coding change: c.7997del on transcript NM_001164508.2 (MANE Select); coding-DNA position 7997, one base deleted (G; older notation c.7997delG).
Protein change: p.Gly2666fs; shifts the reading frame from glycine 2666.
Molecular consequence: frameshift variant.
Genome position (GRCh38, 1-based): chr2:151,643,313, C deleted on the plus strand (G on the coding strand, the reverse complement: NEB is on the minus strand); the first of 2 consecutive C bases (chr2:151,643,313-151,643,314); deleting either gives the same sequence. VCF-style (leftmost placement, unchanged base first): chr2-151643312-GC-G. GRCh37 (hg19) VCF-style: chr2-152499826-GC-G.
Other names: c.7997del, p.Gly2666fs (NM_001164507.2, NM_001271208.2, NM_004543.5); short protein forms G2666fs.
Identifiers: ClinVar variation 953681 (VCV000953681.7), dbSNP rs2098909937, ClinGen allele CA1139657252.

ClinVar aggregate classification (germline): Pathogenic (1 of 4 stars; one submission).

Conditions:
Nemaline myopathy 2 (NEM2). Also called: Nemaline myopathy 2, autosomal recessive. Identifiers: MedGen C1850569, MONDO:0009725, OMIM 256030.

Submission:

Labcorp Genetics (formerly Invitae), Labcorp
Classification: Pathogenic for Nemaline myopathy 2. Last evaluated: 2019-08-12. Review status: criteria provided, single submitter. Criteria: Invitae Variant Classification Sherloc (09022015). Collection method: clinical testing. Allele origin: germline.
Comment: This sequence change creates a premature translational stop signal (p.Gly2666Alafs*3) in the NEB gene. It is expected to result in an absent or disrupted protein product. This variant is not present in population databases (ExAC no frequency). For these reasons, this variant has been classified as Pathogenic. Loss-of-function variants in NEB are known to be pathogenic (PMID: 25205138). This variant has not been reported in the literature in individuals with NEB-related conditions.

Literature cited by the submitters: PubMed 25205138.